The following is an entry in ClinVar:

NM_024589.3(ROGDI):c.86C>G (p.Ala29Gly)

Gene: ROGDI (rogdi atypical leucine zipper; minus strand). Cytogenetic location: 16p13.3.
Variant type: single nucleotide variant.
Coding change: c.86C>G on transcript NM_024589.3 (MANE Select); coding-DNA position 86, C replaced by G.
Protein change: p.Ala29Gly; replaces alanine 29 with glycine.
Molecular consequence: missense variant. On other transcripts: non-coding transcript variant (1).
Genome position (GRCh38, 1-based): chr16:4,802,413, G>C on the plus strand (C>G on the coding strand, the complement: ROGDI is on the minus strand). VCF-style: chr16-4802413-G-C. GRCh37 (hg19) VCF-style: chr16-4852414-G-C.
Other names: short protein forms A29G.
Identifiers: ClinVar variation 2145283 (VCV002145283.4), dbSNP rs987992601, ClinGen allele CA394656586.
Genomic context (GRCh38, chr16:4,802,413, plus strand): 5'-GCCCGGCGGGGCAGGGCGCGGGTCGTTACCTTGAGGATGTCCTGCAGCTGCTTCAACACA[G>C]CGTGCACCTCGTCGTGCAGCAGCCAGCGGAACTCCTCCTCCTGCGGGACAGACCCGGCGG-3'
Protein context (NP_078865.1, residues 19-39): FRWLLHDEVH[Ala29Gly]VLKQLQDILK

ClinVar aggregate classification (germline): Uncertain significance (1 of 4 stars; one submission).

Conditions:
Amelocerebrohypohidrotic syndrome (KTZS). Also called: KOHLSCHUTTER SYNDROME; Kohlschutter's syndrome; EPILEPSY AND YELLOW TEETH; EPILEPSY, DEMENTIA, AND AMELOGENESIS IMPERFECTA. Identifiers: Orphanet 1946, MedGen C0406740, MONDO:0009185, OMIM 226750.

gnomAD v4.1: 2 of 1,540,634 alleles (0.00013%); highest among the groups gnomAD compares: Non-Finnish European, 0.00017%; no homozygotes.

Submission:

Labcorp Genetics (formerly Invitae), Labcorp
Classification: Uncertain significance for Amelocerebrohypohidrotic syndrome. Last evaluated: 2023-08-17. Review status: criteria provided, single submitter. Criteria: Invitae Variant Classification Sherloc (09022015). Collection method: clinical testing. Allele origin: germline.
Comment: In summary, the available evidence is currently insufficient to determine the role of this variant in disease. Therefore, it has been classified as a Variant of Uncertain Significance. An algorithm developed to predict the effect of missense changes on protein structure and function (PolyPhen-2) suggests that this variant is likely to be tolerated. ClinVar contains an entry for this variant (Variation ID: 2145283). This variant has not been reported in the literature in individuals affected with ROGDI-related conditions. This variant is not present in population databases (gnomAD no frequency). This sequence change replaces alanine, which is neutral and non-polar, with glycine, which is neutral and non-polar, at codon 29 of the ROGDI protein (p.Ala29Gly).